The following is an entry in ClinVar:

ClinVar aggregate classification (germline): Uncertain significance (1 of 4 stars; one submission).

Conditions:
Oto-palato-digital syndrome, type II (OPD2). Also called: Otopalatodigital Syndrome Type 2 (FLNA-OPD2); Otopalatodigital Syndrome, Type II; FACIOPALATOOSSEOUS SYNDROME; OPD II SYNDROME. Identifiers: Orphanet 669, Orphanet 90652, MedGen C1844696, MONDO:0010571, OMIM 304120.
Frontometaphyseal dysplasia (FMD1). Identifiers: Orphanet 1826, MedGen C0265293, MONDO:0015942.
Melnick-Needles syndrome (MNS). Also called: Melnick-Needles Syndrome (FLNA-MNS); MELNICK-NEEDLES OSTEODYSPLASTY; OSTEODYSPLASTY OF MELNICK AND NEEDLES. Identifiers: Orphanet 2484, MedGen C0025237, MONDO:0010650, OMIM 309350.
Heterotopia, periventricular, X-linked dominant (PVNH1). Also called: PERIVENTRICULAR NODULAR HETEROTOPIA 4; HETEROTOPIA, PERIVENTRICULAR, 1; X-linked periventricular heterotopia; PERIVENTRICULAR NODULAR HETEROTOPIA 1. Identifiers: Orphanet 2149, Orphanet 82004, MedGen C1848213, MONDO:0010233, OMIM 300049.

Submission:

Labcorp Genetics (formerly Invitae), Labcorp
Classification: Uncertain significance for Oto-palato-digital syndrome, type II; Heterotopia, periventricular, X-linked dominant; Frontometaphyseal dysplasia; Melnick-Needles syndrome. Last evaluated: 2025-02-23. Review status: criteria provided, single submitter. Criteria: Invitae Variant Classification Sherloc (09022015). Collection method: clinical testing. Allele origin: germline.
Comment: This sequence change replaces lysine, which is basic and polar, with asparagine, which is neutral and polar, at codon 1590 of the FLNA protein (p.Lys1590Asn). This variant is not present in population databases (gnomAD no frequency). This variant has not been reported in the literature in individuals affected with FLNA-related conditions. ClinVar contains an entry for this variant (Variation ID: 2161411). Invitae Evidence Modeling of protein sequence and biophysical properties (such as structural, functional, and spatial information, amino acid conservation, physicochemical variation, residue mobility, and thermodynamic stability) indicates that this missense variant is not expected to disrupt FLNA protein function with a negative predictive value of 95%. In summary, the available evidence is currently insufficient to determine the role of this variant in disease. Therefore, it has been classified as a Variant of Uncertain Significance.

NM_001110556.2(FLNA):c.4770G>C (p.Lys1590Asn)

Gene: FLNA (filamin A; minus strand). Cytogenetic location: Xq28.
Variant type: single nucleotide variant.
Coding change: c.4770G>C on transcript NM_001110556.2 (MANE Select); coding-DNA position 4770, G replaced by C.
Protein change: p.Lys1590Asn; replaces lysine 1590 with asparagine.
Molecular consequence: missense variant.
Genome position (GRCh38, 1-based): chrX:154,357,609, C>G on the plus strand (G>C on the coding strand, the complement: FLNA is on the minus strand). VCF-style: chrX-154357609-C-G. GRCh37 (hg19) VCF-style: chrX-153585977-C-G.
Other names: c.4770G>C, p.Lys1590Asn (NM_001456.4); short protein forms K1590N.
Identifiers: ClinVar variation 2161411 (VCV002161411.4), dbSNP rs2522733735, ClinGen allele CA415214383.